The following is an entry in ClinVar:

ClinVar aggregate classification (germline): Uncertain significance. Review status: criteria provided, multiple submitters, no conflicts (2 of 4 stars). 2 submissions from 2 submitters: Uncertain significance (2). Last evaluated 2023-07-12.

Conditions:
Hereditary cancer-predisposing syndrome. Also called: Tumor predisposition; Hereditary neoplastic syndrome; Neoplastic Syndromes, Hereditary; Hereditary Cancer Syndrome. Identifiers: Orphanet 140162, MedGen C0027672, MeSH D009386, MONDO:0015356.

gnomAD v4.1: 1 of 1,613,782 alleles (0.000062%); no homozygotes.

Submissions (2):

Labcorp Genetics (formerly Invitae), Labcorp
Classification: Uncertain significance for Hereditary cancer-predisposing syndrome. Last evaluated: 2023-07-12. Review status: criteria provided, single submitter. Criteria: Invitae Variant Classification Sherloc (09022015). Collection method: clinical testing. Allele origin: germline.
Comment: This sequence change replaces valine, which is neutral and non-polar, with isoleucine, which is neutral and non-polar, at codon 757 of the RAD50 protein (p.Val757Ile). ClinVar contains an entry for this variant (Variation ID: 664092). This variant has not been reported in the literature in individuals affected with RAD50-related conditions. This variant is not present in population databases (gnomAD no frequency). In summary, the available evidence is currently insufficient to determine the role of this variant in disease. Therefore, it has been classified as a Variant of Uncertain Significance. Advanced modeling of protein sequence and biophysical properties (such as structural, functional, and spatial information, amino acid conservation, physicochemical variation, residue mobility, and thermodynamic stability) performed at Invitae indicates that this missense variant is not expected to disrupt RAD50 protein function.

Ambry Genetics
Classification: Uncertain significance for Hereditary cancer-predisposing syndrome. Last evaluated: 2021-06-23. Review status: criteria provided, single submitter. Criteria: Ambry Variant Classification Scheme 2023. Collection method: clinical testing. Allele origin: germline.
Comment: The p.V757I variant (also known as c.2269G>A), located in coding exon 14 of the RAD50 gene, results from a G to A substitution at nucleotide position 2269. The valine at codon 757 is replaced by isoleucine, an amino acid with highly similar properties. This amino acid position is conserved. In addition, this alteration is predicted to be tolerated by in silico analysis. Since supporting evidence is limited at this time, the clinical significance of this alteration remains unclear.

NM_005732.4(RAD50):c.2269G>A (p.Val757Ile)

Gene: RAD50 (RAD50 double strand break repair protein; plus strand). Cytogenetic location: 5q31.1.
Variant type: single nucleotide variant.
Coding change: c.2269G>A on transcript NM_005732.4 (MANE Select); coding-DNA position 2269, G replaced by A.
Protein change: p.Val757Ile; replaces valine 757 with isoleucine.
Molecular consequence: missense variant.
Genome position (GRCh38, 1-based): chr5:132,603,361, G>A. VCF-style: chr5-132603361-G-A. GRCh37 (hg19) VCF-style: chr5-131939053-G-A.
Other names: short protein forms V757I.
Identifiers: ClinVar variation 664092 (VCV000664092.13), dbSNP rs1581000991, ClinGen allele CA360954186.